The following is an entry in ClinVar:

NM_014755.3(SERTAD2):c.255G>A (p.Met85Ile)

Gene: SERTAD2 (SERTA domain containing 2; minus strand). Cytogenetic location: 2p14.
Variant type: single nucleotide variant.
Coding change: c.255G>A on transcript NM_014755.3 (MANE Select); coding-DNA position 255, G replaced by A.
Protein change: p.Met85Ile; replaces methionine 85 with isoleucine.
Molecular consequence: missense variant.
Genome position (GRCh38, 1-based): chr2:64,636,617, C>T on the plus strand (G>A on the coding strand, the complement: SERTAD2 is on the minus strand). VCF-style: chr2-64636617-C-T. GRCh37 (hg19) VCF-style: chr2-64863751-C-T.
Other names: short protein forms M85I.
Identifiers: ClinVar variation 2651004 (VCV002651004.24), dbSNP rs138140032, ClinGen allele CA1685702.
Genomic context (GRCh38, chr2:64,636,617, plus strand): 5'-CGGCGGGGCCTCTCGGTAGCTGTCGCTGGGCTCGGTGGTGGGCTGGGAGGAGGGGGTGAA[C>T]ATGGGCCTCAGGCTGCCTTCCTGTTTGAGTTCCTCCTGGATCCGCCTCAACATGTTGTTA-3'
Protein context (NP_055570.1, residues 75-95): ELKQEGSLRP[Met85Ile]FTPSSQPTTE

ClinVar aggregate classification (germline): Likely benign (1 of 4 stars; one submission).

Allele frequency attached by ClinVar (database versions not stated): gnomAD 0.00547; ESP Exome Variant Server 0.00554; 1000 Genomes Project 0.00140; 1000 Genomes Project 30x 0.00156; TOPMed 0.00451; ExAC 0.00526; gnomAD exomes 0.00664.
gnomAD v4.1: 10,453 of 1,612,030 alleles (0.65%); highest among the groups gnomAD compares: Non-Finnish European, 0.76%; 63 homozygotes.

Submission:

CeGaT Center for Human Genetics Tuebingen
Classification: Likely benign. Last evaluated: 2022-05-01. Review status: criteria provided, single submitter. Criteria: CeGaT Center For Human Genetics Tuebingen Variant Classification Criteria Version 2. Collection method: clinical testing. Allele origin: germline. Affected: yes. Observed: 1 variant allele.
Comment: SERTAD2: BP4, BS2